The following is an entry in ClinVar:

NM_000038.6(APC):c.8399C>T (p.Ala2800Val)

Gene: APC (APC regulator of Wnt signaling pathway; plus strand). Cytogenetic location: 5q22.2.
Variant type: single nucleotide variant.
Coding change: c.8399C>T on transcript NM_000038.6 (MANE Select); coding-DNA position 8399, C replaced by T.
Protein change: p.Ala2800Val; replaces alanine 2800 with valine.
Molecular consequence: missense variant.
Genome position (GRCh38, 1-based): chr5:112,843,993, C>T. VCF-style: chr5-112843993-C-T. GRCh37 (hg19) VCF-style: chr5-112179690-C-T.
Other names: c.8399C>T, p.Ala2800Val (NM_001127510.3, NM_001354895.2); c.8345C>T, p.Ala2782Val (NM_001127511.3); c.8453C>T, p.Ala2818Val (NM_001354896.2); c.8429C>T, p.Ala2810Val (NM_001354897.2); c.8324C>T, p.Ala2775Val (NM_001354898.2); c.8315C>T, p.Ala2772Val (NM_001354899.2); c.8276C>T, p.Ala2759Val (NM_001354900.2); c.8222C>T, p.Ala2741Val (NM_001354901.2); and 5 more; short protein forms A2782V, A2800V, A2517V, A2674V, A2699V, A2709V, A2741V, A2775V.
Identifiers: ClinVar variation 411563 (VCV000411563.60), dbSNP rs141024271, ClinGen allele CA050698.

ClinVar aggregate classification (germline): Conflicting classifications of pathogenicity. Review status: criteria provided, conflicting classifications (1 of 4 stars). 8 submissions from 8 submitters: Uncertain significance (6); Likely benign (2). Last evaluated 2026-04-06.

Conditions:
Classic or attenuated familial adenomatous polyposis. Identifiers: MedGen CN372698, MONDO:0021057.
Hereditary cancer-predisposing syndrome. Also called: Tumor predisposition; Hereditary neoplastic syndrome; Hereditary Cancer Syndrome; Neoplastic Syndromes, Hereditary. Identifiers: Orphanet 140162, MedGen C0027672, MeSH D009386, MONDO:0015356.
Familial adenomatous polyposis 1 (FAP1). Also called: FAMILIAL ADENOMATOUS POLYPOSIS 1, ATTENUATED; POLYPOSIS, ADENOMATOUS INTESTINAL. Identifiers: MedGen C2713442, MONDO:0021056, OMIM 175100. Disease mechanism: loss of function.

Allele frequency attached by ClinVar (database versions not stated): TOPMed below 0.00001; ExAC 0.00001; gnomAD 0.00001; gnomAD exomes 0.00001 and 0.00002; ESP Exome Variant Server 0.00008.
gnomAD v4.1: 24 of 1,599,850 alleles (0.0015%); highest among the groups gnomAD compares: Middle Eastern, 0.017%; no homozygotes.

Submissions (8):

Ambry Genetics
Classification: Likely benign for Hereditary cancer-predisposing syndrome. Last evaluated: 2026-04-06. Review status: criteria provided, single submitter. Criteria: Ambry Variant Classification Scheme 2023. Collection method: clinical testing. Allele origin: germline.

Labcorp Genetics (formerly Invitae), Labcorp
Classification: Uncertain significance for Familial adenomatous polyposis 1. Last evaluated: 2026-01-16. Review status: criteria provided, single submitter. Criteria: Invitae Variant Classification Sherloc (09022015). Collection method: clinical testing. Allele origin: germline.
Comment: This sequence change replaces alanine, which is neutral and non-polar, with valine, which is neutral and non-polar, at codon 2800 of the APC protein (p.Ala2800Val). This variant is present in population databases (rs141024271, gnomAD 0.0009%). This variant has not been reported in the literature in individuals affected with APC-related conditions. ClinVar contains an entry for this variant (Variation ID: 411563). Invitae Evidence Modeling of protein sequence and biophysical properties (such as structural, functional, and spatial information, amino acid conservation, physicochemical variation, residue mobility, and thermodynamic stability) indicates that this missense variant is not expected to disrupt APC protein function with a negative predictive value of 95%. In summary, the available evidence is currently insufficient to determine the role of this variant in disease. Therefore, it has been classified as a Variant of Uncertain Significance.

Color Diagnostics, LLC DBA Color Health
Classification: Likely benign for Hereditary cancer-predisposing syndrome. Last evaluated: 2025-05-28. Review status: criteria provided, single submitter. Criteria: ACMG Guidelines, 2015. Collection method: clinical testing. Allele origin: germline.

All of Us Research Program, National Institutes of Health
Classification: Uncertain significance for Classic or attenuated familial adenomatous polyposis. Last evaluated: 2024-04-16. Review status: criteria provided, single submitter. Criteria: ACMG Guidelines, 2015. Collection method: clinical testing. Allele origin: germline. Inheritance: Autosomal dominant inheritance. Observed: 4 variant alleles, 4 heterozygotes.
Comment: This missense variant replaces alanine with valine at codon 2800 of the APC protein. Computational prediction suggests that this variant may not impact protein structure and function (internally defined REVEL score threshold <= 0.5, PMID: 27666373). To our knowledge, functional studies have not been reported for this variant. This variant has not been reported in individuals affected with APC-related disorders in the literature. This variant has been identified in 3/237260 chromosomes in the general population by the Genome Aggregation Database (gnomAD). The available evidence is insufficient to determine the role of this variant in disease conclusively. Therefore, this variant is classified as a Variant of Uncertain Significance.

This study involves interpretation of variants in research participants for the purpose of population health screening. Participant phenotype was not available at the time of variant classification. Additional details can be found in publication PMID: 35346344, PMCID: PMC8962531

Baylor Genetics
Classification: Uncertain significance for Familial adenomatous polyposis 1. Last evaluated: 2024-02-15. Review status: criteria provided, single submitter. Criteria: ACMG Guidelines, 2015. Collection method: clinical testing. Allele origin: unknown.

GeneDx
Classification: Uncertain significance. Last evaluated: 2023-05-26. Review status: criteria provided, single submitter. Criteria: GeneDx Variant Classification Process June 2021. Collection method: clinical testing. Allele origin: germline. Affected: yes.
Comment: Not observed at significant frequency in large population cohorts (gnomAD); In silico analysis supports that this missense variant does not alter protein structure/function; Has not been previously published as pathogenic or benign to our knowledge; This variant is associated with the following publications: (PMID: 18199528, 26934580)

Institute for Clinical Genetics, University Hospital TU Dresden, University Hospital TU Dresden
Classification: Uncertain significance. Last evaluated: 2021-11-03. Review status: criteria provided, single submitter. Criteria: ACMG Guidelines, 2015. Collection method: clinical testing. Allele origin: germline.

CeGaT Center for Human Genetics Tuebingen
Classification: Uncertain significance. Last evaluated: 2021-05-01. Review status: criteria provided, single submitter. Criteria: CeGaT Center For Human Genetics Tuebingen Variant Classification Criteria Version 2. Collection method: clinical testing. Allele origin: germline. Affected: yes. Observed: 1 variant allele.